The following is an entry in ClinVar:

ClinVar aggregate classification (germline): Uncertain significance (1 of 4 stars; one submission).

Submission:

Labcorp Genetics (formerly Invitae), Labcorp
Classification: Uncertain significance. Last evaluated: 2024-07-04. Review status: criteria provided, single submitter. Criteria: Invitae Variant Classification Sherloc (09022015). Collection method: clinical testing. Allele origin: germline.
Comment: This sequence change replaces tyrosine, which is neutral and polar, with asparagine, which is neutral and polar, at codon 267 of the TBX20 protein (p.Tyr267Asn). This variant is not present in population databases (gnomAD no frequency). This variant has not been reported in the literature in individuals affected with TBX20-related conditions. Advanced modeling of protein sequence and biophysical properties (such as structural, functional, and spatial information, amino acid conservation, physicochemical variation, residue mobility, and thermodynamic stability) performed at Invitae indicates that this missense variant is expected to disrupt TBX20 protein function with a positive predictive value of 80%. In summary, the available evidence is currently insufficient to determine the role of this variant in disease. Therefore, it has been classified as a Variant of Uncertain Significance.

NM_001077653.2(TBX20):c.799T>A (p.Tyr267Asn)

Gene: TBX20 (T-box transcription factor 20; minus strand). Cytogenetic location: 7p14.2.
Variant type: single nucleotide variant.
Coding change: c.799T>A on transcript NM_001077653.2 (MANE Select); coding-DNA position 799, T replaced by A.
Protein change: p.Tyr267Asn; replaces tyrosine 267 with asparagine.
Molecular consequence: missense variant.
Genome position (GRCh38, 1-based): chr7:35,240,893, A>T on the plus strand (T>A on the coding strand, the complement: TBX20 is on the minus strand). VCF-style: chr7-35240893-A-T. GRCh37 (hg19) VCF-style: chr7-35280505-A-T.
Other names: c.799T>A, p.Tyr267Asn (NM_001166220.1); short protein forms Y267N.
Identifiers: ClinVar variation 3658775 (VCV003658775.2).